The following is an entry in ClinVar:

NM_001257291.2(SLC9A7):c.733G>C (p.Asp245His)

Gene: SLC9A7 (solute carrier family 9 member A7; minus strand). Cytogenetic location: Xp11.3.
Variant type: single nucleotide variant.
Coding change: c.733G>C on transcript NM_001257291.2 (MANE Select); coding-DNA position 733, G replaced by C.
Protein change: p.Asp245His; replaces aspartic acid 245 with histidine.
Molecular consequence: missense variant.
Genome position (GRCh38, 1-based): chrX:46,669,667, C>G on the plus strand (G>C on the coding strand, the complement: SLC9A7 is on the minus strand). VCF-style: chrX-46669667-C-G. GRCh37 (hg19) VCF-style: chrX-46529102-C-G.
Other names: c.733G>C, p.Asp245His (NM_032591.3); short protein forms D245H.
Identifiers: ClinVar variation 4076182 (VCV004076182.1).

ClinVar aggregate classification (germline): Uncertain significance (1 of 4 stars; one submission).

Conditions:
Intellectual developmental disorder, X-linked 108. Also called: MENTAL RETARDATION, X-LINKED 108. Identifiers: MedGen C5193009, MONDO:0026723, OMIM 301024.

Submission:

Laboratorio de Genetica e Diagnostico Molecular, Hospital Israelita Albert Einstein
Classification: Uncertain significance for Intellectual developmental disorder, X-linked 108. Last evaluated: 2024-10-29. Review status: criteria provided, single submitter. Criteria: ACMG Guidelines, 2015. Collection method: clinical testing. Allele origin: germline. Affected: yes.
Comment: ACMG classification criteria: PM2 supporting, BP4 supporting